The following is an entry in ClinVar:

NM_016955.4(SEPSECS):c.1111A>C (p.Ile371Leu)

Gene: SEPSECS (Sep (O-phosphoserine) tRNA:Sec (selenocysteine) tRNA synthase; minus strand). Cytogenetic location: 4p15.2.
Variant type: single nucleotide variant.
Coding change: c.1111A>C on transcript NM_016955.4 (MANE Select); coding-DNA position 1111, A replaced by C.
Protein change: p.Ile371Leu; replaces isoleucine 371 with leucine.
Molecular consequence: missense variant.
Genome position (GRCh38, 1-based): chr4:25,127,273, T>G on the plus strand (A>C on the coding strand, the complement: SEPSECS is on the minus strand). VCF-style: chr4-25127273-T-G. GRCh37 (hg19) VCF-style: chr4-25128895-T-G.
Other names: c.1111A>C (NM_016955.3); short protein forms I371L.
Identifiers: ClinVar variation 1398127 (VCV001398127.6), dbSNP rs377440128, ClinGen allele CA2877244.

ClinVar aggregate classification (germline): Uncertain significance. Review status: criteria provided, multiple submitters, no conflicts (2 of 4 stars). 2 submissions from 2 submitters: Uncertain significance (2). Last evaluated 2024-05-30.

Conditions:
Inborn genetic diseases. Identifiers: MedGen C0950123, MeSH D030342.

gnomAD v4.1: 47 of 1,607,258 alleles (0.0029%); highest among the groups gnomAD compares: Admixed American, 0.017%; no homozygotes.

Submissions (2):

Ambry Genetics
Classification: Uncertain significance for Inborn genetic diseases. Last evaluated: 2024-05-30. Review status: criteria provided, single submitter. Criteria: Ambry Variant Classification Scheme 2023. Collection method: clinical testing. Allele origin: germline.

Labcorp Genetics (formerly Invitae), Labcorp
Classification: Uncertain significance. Last evaluated: 2022-05-27. Review status: criteria provided, single submitter. Criteria: Invitae Variant Classification Sherloc (09022015). Collection method: clinical testing. Allele origin: germline.
Comment: This sequence change replaces isoleucine, which is neutral and non-polar, with leucine, which is neutral and non-polar, at codon 371 of the SEPSECS protein (p.Ile371Leu). This variant is present in population databases (rs377440128, gnomAD 0.01%). This variant has not been reported in the literature in individuals affected with SEPSECS-related conditions. Algorithms developed to predict the effect of missense changes on protein structure and function output the following: SIFT: "Deleterious"; PolyPhen-2: "Benign"; Align-GVGD: "Class C0". The leucine amino acid residue is found in multiple mammalian species, which suggests that this missense change does not adversely affect protein function. In summary, the available evidence is currently insufficient to determine the role of this variant in disease. Therefore, it has been classified as a Variant of Uncertain Significance.